The following is an entry in ClinVar:

NM_004304.5(ALK):c.2616C>T (p.Gly872=)

Gene: ALK (ALK receptor tyrosine kinase; minus strand). Cytogenetic location: 2p23.2.
Variant type: single nucleotide variant.
Coding change: c.2616C>T on transcript NM_004304.5 (MANE Select); coding-DNA position 2616, C replaced by T.
Protein change: p.Gly872=; no amino-acid change (glycine 872 retained).
Molecular consequence: synonymous variant.
Genome position (GRCh38, 1-based): chr2:29,232,320, G>A on the plus strand (C>T on the coding strand, the complement: ALK is on the minus strand). VCF-style: chr2-29232320-G-A. GRCh37 (hg19) VCF-style: chr2-29455186-G-A.
Other names: c.2616C>T (NM_004304.4).
Identifiers: ClinVar variation 1057888 (VCV001057888.10), dbSNP rs2148183266, ClinGen allele CA425436610.

ClinVar aggregate classification (germline): Uncertain significance. Review status: criteria provided, multiple submitters, no conflicts (2 of 4 stars). 2 submissions from 2 submitters: Uncertain significance (2). Last evaluated 2025-02-14.

Conditions:
Hereditary cancer-predisposing syndrome. Also called: Tumor predisposition; Neoplastic Syndromes, Hereditary; Hereditary Cancer Syndrome; Hereditary neoplastic syndrome. Identifiers: Orphanet 140162, MedGen C0027672, MeSH D009386, MONDO:0015356.
Neuroblastoma, susceptibility to, 3. Also called: ALK-Related Neuroblastic Tumor Susceptibility. Identifiers: Orphanet 635, MedGen C2751681, MONDO:0013083, OMIM 613014.

gnomAD v4.1: 7 of 1,614,250 alleles (0.00043%); highest among the groups gnomAD compares: Non-Finnish European, 0.00059%; no homozygotes.

Submissions (2):

Ambry Genetics
Classification: Uncertain significance for Hereditary cancer-predisposing syndrome. Last evaluated: 2025-02-14. Review status: criteria provided, single submitter. Criteria: Ambry Variant Classification Scheme 2023. Collection method: clinical testing. Allele origin: germline.
Comment: The c.2616C>T variant (also known as p.G872G), located in coding exon 15 of the ALK gene, results from a C to T substitution at nucleotide position 2616. This nucleotide substitution does not change the amino acid at codon 872. This nucleotide position is well conserved in available vertebrate species. In silico splice site analysis predicts that this alteration may weaken the native splice donor site and may result in the creation or strengthening of a novel splice donor site. Based on the available evidence, the clinical significance of this variant remains unclear.

Labcorp Genetics (formerly Invitae), Labcorp
Classification: Uncertain significance for Neuroblastoma, susceptibility to, 3. Last evaluated: 2021-05-13. Review status: criteria provided, single submitter. Criteria: Invitae Variant Classification Sherloc (09022015). Collection method: clinical testing. Allele origin: germline.
Comment: This sequence change affects codon 872 of the ALK mRNA. It is a 'silent' change, meaning that it does not change the encoded amino acid sequence of the ALK protein. This variant is not present in population databases (ExAC no frequency). This variant has not been reported in the literature in individuals with ALK-related conditions. Algorithms developed to predict the effect of sequence changes on RNA splicing suggest that this variant may create or strengthen a splice site, but this prediction has not been confirmed by published transcriptional studies. In summary, the available evidence is currently insufficient to determine the role of this variant in disease. Therefore, it has been classified as a Variant of Uncertain Significance.